The following is an entry in ClinVar:

ClinVar aggregate classification (germline): Conflicting classifications of pathogenicity. Review status: criteria provided, conflicting classifications (1 of 4 stars). 12 submissions from 12 submitters: Uncertain significance (1); Benign (4); Likely benign (4). 3 of the submissions do not count toward it. Last evaluated 2026-09-01.

Conditions:
Hereditary spastic paraplegia. Also called: Familial spastic paraparesis. Identifiers: Orphanet 685, MedGen C0037773, MONDO:0019064. Disease mechanism: loss of function.
Hereditary spastic paraplegia 15 (SPG15). Also called: SPASTIC PARAPLEGIA 15, AUTOSOMAL RECESSIVE; KJELLIN SYNDROME; SPASTIC PARAPLEGIA AND RETINAL DEGENERATION. Identifiers: Orphanet 100996, MedGen C1849128, MONDO:0010044, OMIM 270700.
Spastic paraplegia. Identifiers: MedGen C0037772, HP:0001258.

Allele frequency attached by ClinVar (database versions not stated): 1000 Genomes Project 0.00140; 1000 Genomes Project 30x 0.00141; ESP Exome Variant Server 0.00254; gnomAD 0.00258 and 0.00261; ExAC 0.00284; TOPMed 0.00298; gnomAD exomes 0.00309 and 0.00324.
gnomAD v4.1: 5,247 of 1,614,066 alleles (0.33%); highest among the groups gnomAD compares: Middle Eastern, 2.5%; 18 homozygotes.

Submissions (18):

CeGaT Center for Human Genetics Tuebingen
Classification: Likely benign. Last evaluated: 2026-09-01. Review status: criteria provided, single submitter. Criteria: CeGaT Center For Human Genetics Tuebingen Variant Classification Criteria Version 2. Collection method: clinical testing. Allele origin: germline. Affected: yes. Observed: 41 variant alleles.
Comment: ZFYVE26: BP4, BS2

Labcorp Genetics (formerly Invitae), Labcorp
Classification: Likely benign for Spastic paraplegia. Last evaluated: 2026-02-04. Review status: criteria provided, single submitter. Criteria: Invitae Variant Classification Sherloc (09022015). Collection method: clinical testing. Allele origin: germline.

Mayo Clinic Laboratories, Mayo Clinic
Classification: Benign. Last evaluated: 2021-05-12. Review status: criteria provided, single submitter. Criteria: ACMG Guidelines, 2015. Collection method: clinical testing. Allele origin: germline. Observed: 14 variant alleles.

Dubai Health Genomic Medicine Center, Dubai Health
Classification: Benign for Hereditary spastic paraplegia 15. Last evaluated: 2020-07-23. Review status: criteria provided, single submitter. Criteria: ACMG Guidelines, 2015. Collection method: clinical testing. Allele origin: germline. Affected: yes.

GeneDx
Classification: Benign. Last evaluated: 2019-03-14. Review status: criteria provided, single submitter. Criteria: GeneDx Variant Classification Process June 2021. Collection method: clinical testing. Allele origin: germline. Affected: yes.

Genome Diagnostics Laboratory, The Hospital for Sick Children
Classification: Likely benign for Hereditary spastic paraplegia. Last evaluated: 2018-10-01. Review status: criteria provided, single submitter. Criteria: ACMG Guidelines, 2015. Collection method: clinical testing. Allele origin: germline. Affected: yes.

Illumina Laboratory Services, Illumina
Classification: Uncertain significance for Hereditary spastic paraplegia 15. Last evaluated: 2018-01-12. Review status: criteria provided, single submitter. Criteria: ICSL Variant Classification Criteria 13 December 2019. Collection method: clinical testing. Allele origin: germline.

Athena Diagnostics
Classification: Benign. Last evaluated: 2017-10-18. Review status: criteria provided, single submitter. Criteria: Athena Diagnostics Criteria. Collection method: clinical testing. Allele origin: germline.

Eurofins Ntd Llc (ga)
Classification: Likely benign. Last evaluated: 2016-06-17. Review status: criteria provided, single submitter. Criteria: EGL Classification Definitions 2015. Collection method: clinical testing. Allele origin: germline. Observed: 1 variant allele, 1 heterozygote.

Clinical Genetics DNA and cytogenetics Diagnostics Lab, Erasmus MC, Erasmus Medical Center
Classification: Likely benign. Review status: no assertion criteria provided. Collection method: clinical testing. Allele origin: germline. Affected: yes. Study: VKGL Data-share Consensus. Not counted in ClinVar's aggregate classification.

Dr. Peter K. Rogan Lab, Western University
No classification provided (evidence only). Condition: Colon adenocarcinoma. Review status: no classification provided. Collection method: in vitro. Allele origin: not applicable. Functional consequence: retained intron. Not counted in ClinVar's aggregate classification.

Dr. Peter K. Rogan Lab, Western University
No classification provided (evidence only). Condition: Thyroid cancer, nonmedullary, 1. Review status: no classification provided. Collection method: in vitro. Allele origin: not applicable. Functional consequence: retained intron. Not counted in ClinVar's aggregate classification.

Dr. Peter K. Rogan Lab, Western University
No classification provided (evidence only). Condition: Uterine corpus endometrial carcinoma. Review status: no classification provided. Collection method: in vitro. Allele origin: not applicable. Functional consequence: retained intron. Not counted in ClinVar's aggregate classification.

Dr. Peter K. Rogan Lab, Western University
No classification provided (evidence only). Condition: Uterine corpus endometrial carcinoma. Review status: no classification provided. Collection method: in vitro. Allele origin: not applicable. Functional consequence: retained intron. Not counted in ClinVar's aggregate classification.

Dr. Peter K. Rogan Lab, Western University
No classification provided (evidence only). Condition: Sarcoma. Review status: no classification provided. Collection method: in vitro. Allele origin: not applicable. Functional consequence: retained intron. Not counted in ClinVar's aggregate classification.

Dr. Peter K. Rogan Lab, Western University
No classification provided (evidence only). Condition: Ovarian serous cystadenocarcinoma. Review status: no classification provided. Collection method: in vitro. Allele origin: not applicable. Functional consequence: retained intron. Not counted in ClinVar's aggregate classification.

Joint Genome Diagnostic Labs from Nijmegen and Maastricht, Radboudumc and MUMC+
Classification: Likely benign. Review status: no assertion criteria provided. Collection method: clinical testing. Allele origin: germline. Affected: yes. Study: VKGL Data-share Consensus. Not counted in ClinVar's aggregate classification.

Laboratory of Diagnostic Genome Analysis, Leiden University Medical Center (LUMC)
Classification: Likely benign. Review status: no assertion criteria provided. Collection method: clinical testing. Allele origin: germline. Affected: yes. Study: VKGL Data-share Consensus. Not counted in ClinVar's aggregate classification.

Literature cited by the submitters: PubMed 24833714 (cited by Eurofins Ntd Llc (ga)).

NM_015346.4(ZFYVE26):c.3722G>A (p.Arg1241Gln)

Gene: ZFYVE26 (zinc finger FYVE-type containing 26; minus strand). Cytogenetic location: 14q24.1.
Variant type: single nucleotide variant.
Coding change: c.3722G>A on transcript NM_015346.4 (MANE Select); coding-DNA position 3722, G replaced by A.
Protein change: p.Arg1241Gln; replaces arginine 1241 with glutamine.
Molecular consequence: missense variant.
Genome position (GRCh38, 1-based): chr14:67,783,430, C>T on the plus strand (G>A on the coding strand, the complement: ZFYVE26 is on the minus strand). VCF-style: chr14-67783430-C-T. GRCh37 (hg19) VCF-style: chr14-68250147-C-T.
Other names: p.Arg1241Gln; short protein forms R1241Q.
Identifiers: ClinVar variation 288592 (VCV000288592.71), dbSNP rs140756827, ClinGen allele CA7239917.